The following is an entry in ClinVar:

ClinVar aggregate classification (germline): Conflicting classifications of pathogenicity. Review status: criteria provided, conflicting classifications (1 of 4 stars). 4 submissions from 4 submitters: Uncertain significance (1); Benign (1); Likely benign (2). Last evaluated 2024-10-25.

Conditions:
Hereditary cancer-predisposing syndrome. Also called: Tumor predisposition; Hereditary neoplastic syndrome; Neoplastic Syndromes, Hereditary; Hereditary Cancer Syndrome. Identifiers: Orphanet 140162, MedGen C0027672, MeSH D009386, MONDO:0015356.
Familial cancer of breast. Also called: hereditary breast carcinoma; Hereditary breast cancer; BREAST CANCER, FAMILIAL. Identifiers: Orphanet 227535, MedGen C0346153, MONDO:0016419, OMIM 114480. Disease mechanism: loss of function.

gnomAD v4.1: 1 of 1,596,188 alleles (0.000063%); no homozygotes.

Submissions (4):

Quest Diagnostics Nichols Institute San Juan Capistrano
Classification: Uncertain significance. Last evaluated: 2024-10-25. Review status: criteria provided, single submitter. Criteria: Quest Diagnostics criteria. Collection method: clinical testing. Allele origin: unknown.
Comment: The CHEK2 c.1425T>C (p.Phe475=) synonymous variant has not been reported in individuals with CHEK2-related conditions in the published literature. It also has not been reported in large, multi-ethnic general populations (Genome Aggregation Database). Analysis of this variant using software algorithms for the prediction of the effect of nucleotide changes on splicing yielded predictions that this variant does not affect CHEK2 mRNA splicing. Based on the available information, we are unable to determine the clinical significance of this variant.

Myriad Genetics, Inc.
Classification: Benign for Familial cancer of breast. Last evaluated: 2024-10-08. Review status: criteria provided, single submitter. Criteria: Myriad Autosomal Dominant, Autosomal Recessive and X-Linked Classification Criteria (2023). Collection method: clinical testing. Allele origin: unknown.
Comment: This variant is considered benign. This variant is a silent/synonymous amino acid change and it is not expected to impact splicing.

Labcorp Genetics (formerly Invitae), Labcorp
Classification: Likely benign for Familial cancer of breast. Last evaluated: 2022-11-13. Review status: criteria provided, single submitter. Criteria: Invitae Variant Classification Sherloc (09022015). Collection method: clinical testing. Allele origin: germline.

Ambry Genetics
Classification: Likely benign for Hereditary cancer-predisposing syndrome. Last evaluated: 2019-11-23. Review status: criteria provided, single submitter. Criteria: Ambry Variant Classification Scheme 2023. Collection method: clinical testing. Allele origin: germline.

NM_007194.4(CHEK2):c.1425T>C (p.Phe475=)

Gene: CHEK2 (checkpoint kinase 2; minus strand). Cytogenetic location: 22q12.1.
Variant type: single nucleotide variant.
Coding change: c.1425T>C on transcript NM_007194.4 (MANE Select); coding-DNA position 1425, T replaced by C.
Protein change: p.Phe475=; no amino-acid change (phenylalanine 475 retained).
Molecular consequence: synonymous variant.
Genome position (GRCh38, 1-based): chr22:28,694,068, A>G on the plus strand (T>C on the coding strand, the complement: CHEK2 is on the minus strand). VCF-style: chr22-28694068-A-G. GRCh37 (hg19) VCF-style: chr22-29090056-A-G.
Other names: c.1554T>C, p.Phe518= (NM_001005735.3); c.762T>C, p.Phe254= (NM_001257387.3); c.1224T>C, p.Phe408= (NM_001349956.3); c.1338T>C, p.Phe446= (NM_145862.3).
Identifiers: ClinVar variation 819168 (VCV000819168.9), dbSNP rs1601716189, ClinGen allele CA513944757.